The following is an entry in ClinVar:

NM_000088.4(COL1A1):c.2398-1G>T

Gene: COL1A1 (collagen type I alpha 1 chain; minus strand). Cytogenetic location: 17q21.33.
Variant type: single nucleotide variant.
Coding change: c.2398-1G>T on transcript NM_000088.4 (MANE Select); the canonical splice acceptor site of the intron before coding-DNA position 2398, G replaced by T.
Molecular consequence: splice acceptor variant.
Genome position (GRCh38, 1-based): chr17:50,190,381, C>A on the plus strand (G>T on the coding strand, the complement: COL1A1 is on the minus strand). VCF-style: chr17-50190381-C-A. GRCh37 (hg19) VCF-style: chr17-48267742-C-A.
Identifiers: ClinVar variation 2835567 (VCV002835567.3), dbSNP rs193922147, ClinGen allele CA8644818.

ClinVar aggregate classification (germline): Pathogenic (1 of 4 stars; one submission).

Conditions:
Osteogenesis imperfecta type I (OI1). Also called: OI, TYPE I; OSTEOGENESIS IMPERFECTA TARDA; OSTEOGENESIS IMPERFECTA WITH BLUE SCLERAE; Osteogenesis imperfecta type 1; Lobstein's Disease; Lobstein disease. Identifiers: Orphanet 216796, Orphanet 666, MedGen C0023931, MONDO:0008146, OMIM 166200. Disease mechanism: loss of function.

Allele frequency attached by ClinVar (database versions not stated): ExAC 0.00001.

Submission:

Labcorp Genetics (formerly Invitae), Labcorp
Classification: Pathogenic for Osteogenesis imperfecta type I. Last evaluated: 2023-02-08. Review status: criteria provided, single submitter. Criteria: Invitae Variant Classification Sherloc (09022015). Collection method: clinical testing. Allele origin: germline.
Comment: This sequence change affects an acceptor splice site in intron 34 of the COL1A1 gene. It is expected to disrupt RNA splicing. Variants that disrupt the donor or acceptor splice site typically lead to a loss of protein function (PMID: 16199547), and loss-of-function variants in COL1A1 are known to be pathogenic (PMID: 7942841, 9295084, 9443882). This variant is not present in population databases (gnomAD no frequency). Disruption of this splice site has been observed in individual(s) with osteogenesis imperfecta (PMID: 25963598, 35154279; Invitae). Algorithms developed to predict the effect of sequence changes on RNA splicing suggest that this variant may disrupt the consensus splice site. For these reasons, this variant has been classified as Pathogenic.

Literature cited by the submitters: PubMed 16199547; PubMed 7942841; PubMed 9295084; PubMed 9443882; PubMed 25963598; PubMed 35154279.